The following is an entry in ClinVar:

ClinVar aggregate classification (germline): Uncertain significance. Review status: criteria provided, multiple submitters, no conflicts (2 of 4 stars). 2 submissions from 2 submitters: Uncertain significance (2). Last evaluated 2025-07-29.

Conditions:
Hereditary cancer-predisposing syndrome. Also called: Hereditary neoplastic syndrome; Tumor predisposition; Hereditary Cancer Syndrome; Neoplastic Syndromes, Hereditary. Identifiers: Orphanet 140162, MedGen C0027672, MeSH D009386, MONDO:0015356.
Oligodontia-cancer predisposition syndrome. Also called: TOOTH AGENESIS-COLORECTAL CANCER SYNDROME. Identifiers: Orphanet 300576, MedGen C1837750, MONDO:0012075, OMIM 608615. Disease mechanism: loss of function.

Allele frequency attached by ClinVar (database versions not stated): ExAC 0.00001; ESP Exome Variant Server 0.00008.

Submissions (2):

Labcorp Genetics (formerly Invitae), Labcorp
Classification: Uncertain significance for Oligodontia-cancer predisposition syndrome. Last evaluated: 2025-07-29. Review status: criteria provided, single submitter. Criteria: Invitae Variant Classification Sherloc (09022015). Collection method: clinical testing. Allele origin: germline.
Comment: This sequence change replaces lysine, which is basic and polar, with asparagine, which is neutral and polar, at codon 633 of the AXIN2 protein (p.Lys633Asn). This variant is present in population databases (rs150557228, gnomAD 0.002%). This variant has not been reported in the literature in individuals affected with AXIN2-related conditions. ClinVar contains an entry for this variant (Variation ID: 2586363). Invitae Evidence Modeling of protein sequence and biophysical properties (such as structural, functional, and spatial information, amino acid conservation, physicochemical variation, residue mobility, and thermodynamic stability) indicates that this missense variant is not expected to disrupt AXIN2 protein function with a negative predictive value of 80%. In summary, the available evidence is currently insufficient to determine the role of this variant in disease. Therefore, it has been classified as a Variant of Uncertain Significance.

Ambry Genetics
Classification: Uncertain significance for Hereditary cancer-predisposing syndrome. Last evaluated: 2023-08-04. Review status: criteria provided, single submitter. Criteria: Ambry Variant Classification Scheme 2023. Collection method: clinical testing. Allele origin: germline.
Comment: The p.K633N variant (also known as c.1899G>T), located in coding exon 6 of the AXIN2 gene, results from a G to T substitution at nucleotide position 1899. The lysine at codon 633 is replaced by asparagine, an amino acid with similar properties. This amino acid position is conserved. In addition, this alteration is predicted to be tolerated by in silico analysis. Since supporting evidence is limited at this time, the clinical significance of this alteration remains unclear.

NM_004655.4(AXIN2):c.1899G>T (p.Lys633Asn)

Gene: AXIN2 (axin 2; minus strand). Cytogenetic location: 17q24.1.
Variant type: single nucleotide variant.
Coding change: c.1899G>T on transcript NM_004655.4 (MANE Select); coding-DNA position 1899, G replaced by T.
Protein change: p.Lys633Asn; replaces lysine 633 with asparagine.
Molecular consequence: missense variant. On other transcripts: intron variant (1).
Genome position (GRCh38, 1-based): chr17:65,536,877, C>A on the plus strand (G>T on the coding strand, the complement: AXIN2 is on the minus strand). VCF-style: chr17-65536877-C-A. GRCh37 (hg19) VCF-style: chr17-63532995-C-A.
Other names: c.1713-324G>T (NM_001363813.1); short protein forms K633N.
Identifiers: ClinVar variation 2586363 (VCV002586363.5), dbSNP rs150557228, ClinGen allele CA8718500.